The following is an entry in ClinVar:

ClinVar aggregate classification (germline): Likely benign. Review status: criteria provided, multiple submitters, no conflicts (2 of 4 stars). 4 submissions from 4 submitters: Likely benign (4). Last evaluated 2024-05-22.

Allele frequency attached by ClinVar (database versions not stated): gnomAD 0.00005; gnomAD exomes 0.00007 and 0.00008; ExAC 0.00008; TOPMed 0.00008; 1000 Genomes Project 30x 0.00016; 1000 Genomes Project 0.00020.
gnomAD v4.1: 125 of 1,600,572 alleles (0.0078%); highest among the groups gnomAD compares: Middle Eastern, 0.18%; no homozygotes.

Submissions (4):

Blueprint Genetics
Classification: Likely benign. Last evaluated: 2024-05-22. Review status: criteria provided, single submitter. Criteria: ACMG Guidelines, 2015. Collection method: clinical testing. Allele origin: germline.

CeGaT Center for Human Genetics Tuebingen
Classification: Likely benign. Last evaluated: 2024-02-01. Review status: criteria provided, single submitter. Criteria: CeGaT Center For Human Genetics Tuebingen Variant Classification Criteria Version 2. Collection method: clinical testing. Allele origin: germline. Affected: yes. Observed: 1 variant allele.
Comment: HECW2: BP4, BP7

Labcorp Genetics (formerly Invitae), Labcorp
Classification: Likely benign. Last evaluated: 2018-08-07. Review status: criteria provided, single submitter. Criteria: Invitae Variant Classification Sherloc (09022015). Collection method: clinical testing. Allele origin: germline.

Breakthrough Genomics
Classification: Likely benign. Review status: criteria provided, single submitter. Criteria: ACMG Guidelines, 2015. Collection method: not provided. Allele origin: germline. Inheritance: Autosomal dominant inheritance. Affected: yes.

NM_001348768.2(HECW2):c.3318C>T (p.Thr1106=)

Gene: HECW2 (HECT, C2 and WW domain containing E3 ubiquitin protein ligase 2; minus strand). Cytogenetic location: 2q32.3.
Variant type: single nucleotide variant.
Coding change: c.3318C>T on transcript NM_001348768.2 (MANE Select); coding-DNA position 3318, C replaced by T.
Protein change: p.Thr1106=; no amino-acid change (threonine 1106 retained).
Molecular consequence: synonymous variant.
Genome position (GRCh38, 1-based): chr2:196,271,210, G>A on the plus strand (C>T on the coding strand, the complement: HECW2 is on the minus strand). VCF-style: chr2-196271210-G-A. GRCh37 (hg19) VCF-style: chr2-197135934-G-A.
Other names: c.2250C>T, p.Thr750= (NM_001304840.3); c.3318C>T, p.Thr1106= (NM_020760.4).
Identifiers: ClinVar variation 747901 (VCV000747901.27), dbSNP rs553442127, ClinGen allele CA2037801.
Genomic context (GRCh38, chr2:196,271,210, plus strand): 5'-TTGTGCTTATGCAACTTGAACCAAATACCAATATTATTGTTACCTGAGTGAGTGATTCCT[G>A]GTAAGATCAGGTTGACGCTCCTGTAGAATTTCAAAGATATTGGGTTGACGTAGAAATGCA-3'
Protein context (NP_001335697.1, residues 1096-1116): EILQERQPDL[Thr1106=]RNHSLREKIQ